The following is an entry in ClinVar:

NM_058195.4(CDKN2A):c.42G>A (p.Ala14=)

Gene: CDKN2A (cyclin dependent kinase inhibitor 2A; minus strand). Cytogenetic location: 9p21.3.
Variant type: single nucleotide variant.
Coding change: c.42G>A on transcript NM_058195.4 (MANE Plus Clinical); coding-DNA position 42, G replaced by A.
Protein change: p.Ala14=; no amino-acid change (alanine 14 retained).
Molecular consequence: synonymous variant. On other transcripts: intron variant (1).
Genome position (GRCh38, 1-based): chr9:21,994,290, C>T on the plus strand (G>A on the coding strand, the complement: CDKN2A is on the minus strand). VCF-style: chr9-21994290-C-T. GRCh37 (hg19) VCF-style: chr9-21994289-C-T.
Other names: c.-4+531G>A (NM_001363763.2).
Identifiers: ClinVar variation 1125799 (VCV001125799.8), dbSNP rs1288648134, ClinGen allele CA464100363.
Genomic context (GRCh38, chr9:21,994,290, plus strand): 5'-CCACTCCCCCGTGAGCCGCGGGATGTGAACCACGAAAACCCTCACTCGCGGCGGGCCGCA[C>T]GCGCGCCGAATCCGGAGGGTCACCAAGAACCTGCGCACCATGTTCTCGCCGCCTCCAGGG-3'
Protein context (NP_478102.2, residues 4-24): RFLVTLRIRR[Ala14=]CGPPRVRVFV

ClinVar aggregate classification (germline): Benign/Likely benign. Review status: criteria provided, multiple submitters, no conflicts (2 of 4 stars). 3 submissions from 3 submitters: Benign (1); Likely benign (2). Last evaluated 2025-08-12.

Conditions:
Hereditary cancer-predisposing syndrome. Also called: Neoplastic Syndromes, Hereditary; Tumor predisposition; Hereditary Cancer Syndrome; Hereditary neoplastic syndrome. Identifiers: Orphanet 140162, MedGen C0027672, MeSH D009386, MONDO:0015356.
Melanoma-pancreatic cancer syndrome. Identifiers: Orphanet 404560, MedGen C1838547, MONDO:0011713, OMIM 606719. Disease mechanism: loss of function.
Familial melanoma. Also called: Hereditary melanoma; Hereditary cutaneous melanoma. Identifiers: Orphanet 618, MedGen C1512419, MONDO:0018961.

Allele frequency attached by ClinVar (database versions not stated): gnomAD 0.00001; TOPMed below 0.00001.

Submissions (3):

Myriad Genetics, Inc.
Classification: Benign for Melanoma-pancreatic cancer syndrome. Last evaluated: 2025-08-12. Review status: criteria provided, single submitter. Criteria: Myriad Autosomal Dominant, Autosomal Recessive and X-Linked Classification Criteria (2023). Collection method: clinical testing. Allele origin: unknown.
Comment: This variant is considered benign. This variant is a silent/synonymous amino acid change and it is not expected to impact splicing.

Labcorp Genetics (formerly Invitae), Labcorp
Classification: Likely benign for Familial melanoma. Last evaluated: 2021-01-07. Review status: criteria provided, single submitter. Criteria: Invitae Variant Classification Sherloc (09022015). Collection method: clinical testing. Allele origin: germline.

Ambry Genetics
Classification: Likely benign for Hereditary cancer-predisposing syndrome. Last evaluated: 2020-06-11. Review status: criteria provided, single submitter. Criteria: Ambry Variant Classification Scheme 2023. Collection method: clinical testing. Allele origin: germline.